The following is an entry in ClinVar:

NM_001128931.2(NAF1):c.1076C>T (p.Pro359Leu)

Gene: NAF1 (nuclear assembly factor 1 ribonucleoprotein; minus strand). Cytogenetic location: 4q32.2.
Variant type: single nucleotide variant.
Coding change: c.1076C>T on transcript NM_001128931.2; coding-DNA position 1076, C replaced by T.
Protein change: p.Pro359Leu; replaces proline 359 with leucine.
Molecular consequence: missense variant.
Genome position (GRCh38, 1-based): chr4:163,127,073, G>A on the plus strand (C>T on the coding strand, the complement: NAF1 is on the minus strand). VCF-style: chr4-163127073-G-A. GRCh37 (hg19) VCF-style: chr4-164048225-G-A.
Other names: short protein forms P359L.
Identifiers: ClinVar variation 2632667 (VCV002632667.1), dbSNP rs1203547269, ClinGen allele CA358662421.
Genomic context (GRCh38, chr4:163,127,073, plus strand): 5'-AACGTAACTTTTATATGCATTTGGAAACCAAAAAGTTTGTGTGACTCACTTGACTGCAAT[G>A]GTCTGGATCCGAGGCCACAATATCTGTGAGATATACCTGTACCTGGGGTAAAGAAATGGA-3'

ClinVar aggregate classification (germline): Uncertain significance (1 of 4 stars; one submission).

Conditions:
NAF1-related disorder. Also called: NAF1-related condition.

gnomAD v4.1: 1 of 1,551,614 alleles (0.000064%); highest among the groups gnomAD compares: Non-Finnish European, 0.000087%; no homozygotes.

Submission:

PreventionGenetics, part of Exact Sciences
Classification: Uncertain significance for NAF1-related condition. Last evaluated: 2023-06-09. Review status: criteria provided, single submitter. Criteria: ACMG Guidelines, 2015. Collection method: clinical testing. Allele origin: germline.
Comment: The NAF1 c.1076C>T variant is predicted to result in the amino acid substitution p.Pro359Leu. To our knowledge, this variant has not been reported in the literature. This variant is reported in 0.0017% of alleles in individuals of European (Non-Finnish) descent in gnomAD. At this time, the clinical significance of this variant is uncertain due to the absence of conclusive functional and genetic evidence.